The following is an entry in ClinVar:

NM_001291088.2(WDR87):c.3877A>G (p.Ile1293Val)

Gene: WDR87 (WD repeat domain 87; minus strand). Cytogenetic location: 19q13.13.
Variant type: single nucleotide variant.
Coding change: c.3877A>G on transcript NM_001291088.2 (MANE Select); coding-DNA position 3877, A replaced by G.
Protein change: p.Ile1293Val; replaces isoleucine 1293 with valine.
Molecular consequence: missense variant.
Genome position (GRCh38, 1-based): chr19:37,889,794, T>C on the plus strand (A>G on the coding strand, the complement: WDR87 is on the minus strand). VCF-style: chr19-37889794-T-C. GRCh37 (hg19) VCF-style: chr19-38380434-T-C.
Other names: c.3760A>G, p.Ile1254Val (NM_031951.5); short protein forms I1254V, I1293V.
Identifiers: ClinVar variation 3469717 (VCV003469717.2).

ClinVar aggregate classification (germline): Uncertain significance. Review status: criteria provided, multiple submitters, no conflicts (2 of 4 stars). 2 submissions from 2 submitters: Uncertain significance (2). Last evaluated 2025-05-28.

gnomAD v4.1: 62 of 1,551,748 alleles (0.004%); highest among the groups gnomAD compares: African/African-American, 0.082%; no homozygotes.

Submissions (2):

Labcorp Genetics (formerly Invitae), Labcorp
Classification: Uncertain significance. Last evaluated: 2025-05-28. Review status: criteria provided, single submitter. Criteria: Invitae Variant Classification Sherloc (09022015). Collection method: clinical testing. Allele origin: germline.
Comment: This sequence change replaces isoleucine, which is neutral and non-polar, with valine, which is neutral and non-polar, at codon 1254 of the WDR87 protein (p.Ile1254Val). This variant is present in population databases (rs73930310, gnomAD 0.07%), and has an allele count higher than expected for a pathogenic variant. This variant has not been reported in the literature in individuals affected with WDR87-related conditions. ClinVar contains an entry for this variant (Variation ID: 3469717). An algorithm developed to predict the effect of missense changes on protein structure and function outputs the following: PolyPhen-2: "Benign". The valine amino acid residue is found in multiple mammalian species, which suggests that this missense change does not adversely affect protein function. In summary, the available evidence is currently insufficient to determine the role of this variant in disease. Therefore, it has been classified as a Variant of Uncertain Significance.

Ambry Genetics
Classification: Uncertain significance. Last evaluated: 2024-12-05. Review status: criteria provided, single submitter. Criteria: Ambry Variant Classification Scheme 2023. Collection method: clinical testing. Allele origin: germline.